The following is an entry in ClinVar:

ClinVar aggregate classification (germline): Uncertain significance (1 of 4 stars; one submission).

Conditions:
Early Myoclonic Encephalopathy. Identifiers: MedGen C0270855.

Allele frequency attached by ClinVar (database versions not stated): gnomAD exomes below 0.00001.
gnomAD v4.1: 17 of 1,614,142 alleles (0.0011%); highest among the groups gnomAD compares: Non-Finnish European, 0.0014%; no homozygotes.

Submission:

Labcorp Genetics (formerly Invitae), Labcorp
Classification: Uncertain significance for Early Myoclonic Encephalopathy. Last evaluated: 2025-09-28. Review status: criteria provided, single submitter. Criteria: Invitae Variant Classification Sherloc (09022015). Collection method: clinical testing. Allele origin: germline.
Comment: This sequence change replaces serine, which is neutral and polar, with asparagine, which is neutral and polar, at codon 1216 of the JMJD1C protein (p.Ser1216Asn). This variant is not present in population databases (gnomAD no frequency). This variant has not been reported in the literature in individuals affected with JMJD1C-related conditions. ClinVar contains an entry for this variant (Variation ID: 1014186). Invitae Evidence Modeling of protein sequence and biophysical properties (such as structural, functional, and spatial information, amino acid conservation, physicochemical variation, residue mobility, and thermodynamic stability) indicates that this missense variant is not expected to disrupt JMJD1C protein function with a negative predictive value of 80%. In summary, the available evidence is currently insufficient to determine the role of this variant in disease. Therefore, it has been classified as a Variant of Uncertain Significance.

NM_032776.3(JMJD1C):c.3647G>A (p.Ser1216Asn)

Gene: JMJD1C (jumonji domain containing 1C; minus strand). Cytogenetic location: 10q21.3.
Variant type: single nucleotide variant.
Coding change: c.3647G>A on transcript NM_032776.3 (MANE Select); coding-DNA position 3647, G replaced by A.
Protein change: p.Ser1216Asn; replaces serine 1216 with asparagine.
Molecular consequence: missense variant. On other transcripts: non-coding transcript variant (1).
Genome position (GRCh38, 1-based): chr10:63,208,022, C>T on the plus strand (G>A on the coding strand, the complement: JMJD1C is on the minus strand). VCF-style: chr10-63208022-C-T. GRCh37 (hg19) VCF-style: chr10-64967782-C-T.
Other names: c.3101G>A, p.Ser1034Asn (NM_001282948.2, NM_001318154.2); c.2783G>A, p.Ser928Asn (NM_001318153.2); c.3533G>A, p.Ser1178Asn (NM_001322252.2); c.2990G>A, p.Ser997Asn (NM_001322254.2, NM_001322258.2); short protein forms S1034N, S1178N, S1216N, S928N, S997N.
Identifiers: ClinVar variation 1014186 (VCV001014186.8), dbSNP rs1564608658, ClinGen allele CA377040763.